The following is an entry in ClinVar:

NM_001199397.3(NEK1):c.3291A>G (p.Val1097=)

Gene: NEK1 (NIMA related kinase 1; minus strand). Cytogenetic location: 4q33.
Variant type: single nucleotide variant.
Coding change: c.3291A>G on transcript NM_001199397.3 (MANE Select); coding-DNA position 3291, A replaced by G.
Protein change: p.Val1097=; no amino-acid change (valine 1097 retained).
Molecular consequence: synonymous variant. On other transcripts: non-coding transcript variant (1).
Genome position (GRCh38, 1-based): chr4:169,406,679, T>C on the plus strand (A>G on the coding strand, the complement: NEK1 is on the minus strand). VCF-style: chr4-169406679-T-C. GRCh37 (hg19) VCF-style: chr4-170327830-T-C.
Other names: c.3159A>G, p.Val1053= (NM_001199398.3); c.3000A>G, p.Val1000= (NM_001199399.3); c.3075A>G, p.Val1025= (NM_001199400.3); c.3291A>G, p.Val1097= (NM_001374418.1); c.3207A>G, p.Val1069= (NM_001374419.1, NM_012224.4); c.3156A>G, p.Val1052= (NM_001374420.1); c.2808A>G, p.Val936= (NM_001374421.1).
Identifiers: ClinVar variation 3356282 (VCV003356282.1).

ClinVar aggregate classification (germline): Likely benign (0 of 4 stars; one submission).

Conditions:
NEK1-related disorder. Also called: NEK1-related condition.

Submission:

PreventionGenetics, part of Exact Sciences
Classification: Likely benign for NEK1-related condition. Last evaluated: 2023-03-16. Review status: no assertion criteria provided. Collection method: clinical testing. Allele origin: germline.
Comment: This variant is classified as likely benign based on ACMG/AMP sequence variant interpretation guidelines (Richards et al. 2015 PMID: 25741868, with internal and published modifications).